The following is an entry in ClinVar:

ClinVar aggregate classification (germline): Conflicting classifications of pathogenicity. Review status: criteria provided, conflicting classifications (1 of 4 stars). 3 submissions from 3 submitters: Pathogenic (1); Uncertain significance (2). Last evaluated 2025-12-08.

Conditions:
Cardiovascular phenotype. Identifiers: MedGen CN230736.
Cardiomyopathy (CMYO). Also called: Cardiomyopathies. Identifiers: Orphanet 167848, MedGen C0878544, MONDO:0004994, HP:0001638. Inheritance: Various modes of inheritance.
Hypertrophic cardiomyopathy. Also called: HYPERTROPHIC MYOCARDIOPATHY. Identifiers: Orphanet 217569, MedGen C0007194, MeSH D002312, MONDO:0005045, HP:0001639.

Allele frequency attached by ClinVar (database versions not stated): gnomAD exomes below 0.00001.
gnomAD v4.1: 3 of 1,609,996 alleles (0.00019%); highest among the groups gnomAD compares: Non-Finnish European, 0.00025%; no homozygotes.

Submissions (3):

Labcorp Genetics (formerly Invitae), Labcorp
Classification: Pathogenic for Hypertrophic cardiomyopathy. Last evaluated: 2025-12-08. Review status: criteria provided, single submitter. Criteria: Invitae Variant Classification Sherloc (09022015). Collection method: clinical testing. Allele origin: germline.
Comment: This sequence change replaces aspartic acid, which is acidic and polar, with asparagine, which is neutral and polar, at codon 1208 of the MYH7 protein (p.Asp1208Asn). This variant is not present in population databases (gnomAD no frequency). This missense change has been observed in individuals with hypertrophic cardiomyopathy (PMID: 23396983, 24111713, 27532257, 33673806; internal data). It has also been observed to segregate with disease in related individuals. ClinVar contains an entry for this variant (Variation ID: 222725). Invitae Evidence Modeling of protein sequence and biophysical properties (such as structural, functional, and spatial information, amino acid conservation, physicochemical variation, residue mobility, and thermodynamic stability) indicates that this missense variant is expected to disrupt MYH7 protein function with a positive predictive value of 95%. This variant disrupts the p.Asp1208 amino acid residue in MYH7. Other variant(s) that disrupt this residue have been observed in individuals with MYH7-related conditions (PMID: 29398688), which suggests that this may be a clinically significant amino acid residue. For these reasons, this variant has been classified as Pathogenic.

Ambry Genetics
Classification: Uncertain significance for Cardiovascular phenotype. Last evaluated: 2025-07-24. Review status: criteria provided, single submitter. Criteria: Ambry Variant Classification Scheme 2023. Collection method: clinical testing. Allele origin: germline.
Comment: The p.D1208N variant (also known as c.3622G>A), located in coding exon 25 of the MYH7 gene, results from a G to A substitution at nucleotide position 3622. The aspartic acid at codon 1208 is replaced by asparagine, an amino acid with highly similar properties. This variant was reported in individual(s) with features consistent with hypertrophic cardiomyopathy (HCM) (Berge KE et al. Clin. Genet., 2014 Oct;86:355-60; Lopes LR et al. Heart, 2015 Feb;101:294-301; Walsh R et al. Genet. Med., 2017 Feb;19:192-203; McGurk KA et al. Am J Hum Genet, 2023 Sep;110:1482-1495; Murphy J et al. Ir J Med Sci, 2024 Aug;193:1775-1785; Ambry internal data). This amino acid position is highly conserved in available vertebrate species. In addition, the in silico prediction for this alteration is inconclusive. Based on the available evidence, the clinical significance of this variant remains unclear.

Color Diagnostics, LLC DBA Color Health
Classification: Uncertain significance for Cardiomyopathy. Last evaluated: 2024-10-02. Review status: criteria provided, single submitter. Criteria: ACMG Guidelines, 2015. Collection method: clinical testing. Allele origin: germline.
Comment: This missense variant replaces aspartic acid with asparagine at codon 1208 of the MYH7 protein. Computational prediction suggests that this variant may have deleterious impact on protein structure and function. To our knowledge, functional studies have not been performed for this variant. This variant has been reported in 4 individuals affected with hypertrophic cardiomyopathy (PMID: 23396983, 24111713, 25351510, 27532257) and in an ostensibly healthy individual (PMID: 24510615) as well. This variant has not been identified in the general population by the Genome Aggregation Database (gnomAD). The available evidence is insufficient to determine the role of this variant in disease conclusively. Therefore, this variant is classified as a Variant of Uncertain Significance.

Literature cited by the submitters: PubMed 23396983 (cited by Labcorp Genetics (formerly Invitae), Labcorp and Color Diagnostics, LLC DBA Color Health); PubMed 24111713 (cited by 3 submitters); PubMed 27532257 (cited by 3 submitters); PubMed 33673806 (cited by Labcorp Genetics (formerly Invitae), Labcorp); PubMed 29398688 (cited by Labcorp Genetics (formerly Invitae), Labcorp); PubMed 25351510 (cited by Ambry Genetics and Color Diagnostics, LLC DBA Color Health); PubMed 37652022 (cited by Ambry Genetics); PubMed 38489124 (cited by Ambry Genetics); PubMed 24510615 (cited by Color Diagnostics, LLC DBA Color Health).

NM_000257.4(MYH7):c.3622G>A (p.Asp1208Asn)

Gene: MYH7 (myosin heavy chain 7; minus strand). Cytogenetic location: 14q11.2.
Variant type: single nucleotide variant.
Coding change: c.3622G>A on transcript NM_000257.4 (MANE Select); coding-DNA position 3622, G replaced by A.
Protein change: p.Asp1208Asn; replaces aspartic acid 1208 with asparagine.
Molecular consequence: missense variant.
Genome position (GRCh38, 1-based): chr14:23,419,949, C>T on the plus strand (G>A on the coding strand, the complement: MYH7 is on the minus strand). VCF-style: chr14-23419949-C-T. GRCh37 (hg19) VCF-style: chr14-23889158-C-T.
Other names: c.3622G>A (LRG_384t1); short protein forms D1208N.
Identifiers: ClinVar variation 222725 (VCV000222725.18), dbSNP rs730880781, ClinGen allele CA079535.